The following is an entry in ClinVar:

ClinVar aggregate classification (germline): Uncertain significance. Review status: criteria provided, multiple submitters, no conflicts (2 of 4 stars). 3 submissions from 3 submitters: Uncertain significance (3). Last evaluated 2024-02-01.

Conditions:
TTN-related disorder. Also called: TTN-related condition; TTN-related disease; TTN-related disorders.

Allele frequency attached by ClinVar (database versions not stated): ExAC 0.00001; TOPMed 0.00001.
gnomAD v4.1: 4 of 1,613,494 alleles (0.00025%); highest among the groups gnomAD compares: Admixed American, 0.005%; no homozygotes.

Submissions (3):

Mayo Clinic Laboratories, Mayo Clinic
Classification: Uncertain significance. Last evaluated: 2024-02-01. Review status: criteria provided, single submitter. Criteria: ACMG Guidelines, 2015. Collection method: clinical testing. Allele origin: germline. Observed: 1 variant allele.
Comment: BP4

PreventionGenetics, part of Exact Sciences
Classification: Uncertain significance for TTN-related condition. Last evaluated: 2023-08-28. Review status: criteria provided, single submitter. Criteria: ACMG Guidelines, 2015. Collection method: clinical testing. Allele origin: germline.
Comment: The TTN c.69536G>C variant is predicted to result in the amino acid substitution p.Arg23179Thr. To our knowledge, this variant has not been reported in the literature. This variant is reported in 0.0058% of alleles in individuals of Latino descent in gnomAD. At this time, the clinical significance of this variant is uncertain due to the absence of conclusive functional and genetic evidence.

Blueprint Genetics
Classification: Uncertain significance. Last evaluated: 2018-12-10. Review status: criteria provided, single submitter. Criteria: ACMG Guidelines, 2015. Collection method: clinical testing. Allele origin: germline.

NM_001267550.2(TTN):c.69536G>C (p.Arg23179Thr)

Genes: TTN (titin; minus strand), TTN-AS1 (TTN antisense RNA 1; plus strand). Cytogenetic location: 2q31.2.
Variant type: single nucleotide variant.
Coding change: c.69536G>C on transcript NM_001267550.2 (MANE Select); coding-DNA position 69536, G replaced by C.
Protein change: p.Arg23179Thr; replaces arginine 23179 with threonine.
Molecular consequence: missense variant.
Genome position (GRCh38, 1-based): chr2:178,576,708, C>G on the plus strand (G>C on the coding strand, the complement: TTN is on the minus strand). VCF-style: chr2-178576708-C-G. GRCh37 (hg19) VCF-style: chr2-179441435-C-G.
Other names: p.Arg20611Thr; c.64613G>C, p.Arg21538Thr (NM_001256850.1); c.42341G>C, p.Arg14114Thr (NM_003319.4); c.61832G>C, p.Arg20611Thr (NM_133378.4); c.42716G>C, p.Arg14239Thr (NM_133432.3); c.42917G>C, p.Arg14306Thr (NM_133437.4); short protein forms R14114T, R14239T, R14306T, R20611T, R21538T, R23179T.
Identifiers: ClinVar variation 2634675 (VCV002634675.3), dbSNP rs763091757, ClinGen allele CA1990921.